The following is an entry in ClinVar:

ClinVar aggregate classification (germline): Benign. Review status: criteria provided, multiple submitters, no conflicts (2 of 4 stars). 8 submissions from 2 submitters: Benign (8). Last evaluated 2018-01-12.

Conditions:
Stiff skin syndrome (SSKS). Identifiers: Orphanet 2833, MedGen C1861456, MONDO:0008492, OMIM 184900.
Geleophysic dysplasia. Identifiers: Orphanet 2623, MedGen C3489726, MONDO:0000127.
Acromicric dysplasia (ACMICD). Also called: Acromicric skeletal dysplasia. Identifiers: Orphanet 969, MedGen C0265287, MONDO:0007055, OMIM 102370.
Ectopia lentis 1, isolated, autosomal dominant (ECTOL1). Identifiers: Orphanet 1885, MedGen C3541518, MONDO:0007514, OMIM 129600.
Marfan syndrome (MFS). Also called: Marfan syndrome type 1; Marfan's syndrome; MARFAN SYNDROME, TYPE I; Marfan syndrome, classic; FBN1-Related Marfan Syndrome. Identifiers: Orphanet 284963, Orphanet 558, MedGen C0024796, MONDO:0007947, OMIM 154700.
Weill-Marchesani syndrome. Also called: WM Syndrome; Mesodermal dysmorphodystrophy congenital. Identifiers: Orphanet 3449, MedGen C0265313, MONDO:0018096.
Familial thoracic aortic aneurysm and aortic dissection (TAAD). Also called: Thoracic aortic aneurysms and dissections. Identifiers: Orphanet 91387, MedGen C4707243, MONDO:0019625.

Allele frequency attached by ClinVar (database versions not stated): gnomAD 0.01858 and 0.01992; 1000 Genomes Project 30x 0.02046; TOPMed 0.02056; 1000 Genomes Project 0.01937; gnomAD exomes 0.00431.
gnomAD v4.1: 8,557 of 1,476,940 alleles (0.58%); highest among the groups gnomAD compares: African/African-American, 6.1%; 157 homozygotes.

Submissions (8):

Illumina Laboratory Services, Illumina
Classification: Benign for Marfan syndrome. Last evaluated: 2018-01-12. Review status: criteria provided, single submitter. Criteria: ICSL Variant Classification Criteria 13 December 2019. Collection method: clinical testing. Allele origin: germline.
Comment: This variant was observed in the ICSL laboratory as part of a predisposition screen in an ostensibly healthy population. It had not been previously curated by ICSL or reported in the Human Gene Mutation Database (HGMD: prior to June 1st, 2018), and was therefore a candidate for classification through an automated scoring system. Utilizing variant allele frequency, disease prevalence and penetrance estimates, and inheritance mode, an automated score was calculated to assess if this variant is too frequent to cause the disease. Based on the score and internal cut-off values, a variant classified as benign is not then subjected to further curation. The score for this variant resulted in a classification of benign for this disease.

Illumina Laboratory Services, Illumina
Classification: Benign for Stiff skin syndrome. Last evaluated: 2018-01-12. Review status: criteria provided, single submitter. Criteria: ICSL Variant Classification Criteria 13 December 2019. Collection method: clinical testing. Allele origin: germline.
Comment: the same text as in the submission from Illumina Laboratory Services, Illumina above.

Illumina Laboratory Services, Illumina
Classification: Benign for Acromicric dysplasia. Last evaluated: 2018-01-12. Review status: criteria provided, single submitter. Criteria: ICSL Variant Classification Criteria 13 December 2019. Collection method: clinical testing. Allele origin: germline.
Comment: the same text as in the submission from Illumina Laboratory Services, Illumina above.

Illumina Laboratory Services, Illumina
Classification: Benign for Geleophysic dysplasia. Last evaluated: 2018-01-12. Review status: criteria provided, single submitter. Criteria: ICSL Variant Classification Criteria 13 December 2019. Collection method: clinical testing. Allele origin: germline.
Comment: the same text as in the submission from Illumina Laboratory Services, Illumina above.

Illumina Laboratory Services, Illumina
Classification: Benign for Familial thoracic aortic aneurysm and aortic dissection. Last evaluated: 2018-01-12. Review status: criteria provided, single submitter. Criteria: ICSL Variant Classification Criteria 13 December 2019. Collection method: clinical testing. Allele origin: germline.
Comment: the same text as in the submission from Illumina Laboratory Services, Illumina above.

Illumina Laboratory Services, Illumina
Classification: Benign for Weill-Marchesani syndrome. Last evaluated: 2018-01-12. Review status: criteria provided, single submitter. Criteria: ICSL Variant Classification Criteria 13 December 2019. Collection method: clinical testing. Allele origin: germline.
Comment: the same text as in the submission from Illumina Laboratory Services, Illumina above.

Illumina Laboratory Services, Illumina
Classification: Benign for Ectopia lentis 1, isolated, autosomal dominant. Last evaluated: 2018-01-12. Review status: criteria provided, single submitter. Criteria: ICSL Variant Classification Criteria 13 December 2019. Collection method: clinical testing. Allele origin: germline.
Comment: the same text as in the submission from Illumina Laboratory Services, Illumina above.

Breakthrough Genomics
Classification: Benign. Review status: criteria provided, single submitter. Criteria: ACMG Guidelines, 2015. Collection method: not provided. Allele origin: germline. Inheritance: Autosomal dominant inheritance. Affected: yes.

NM_000138.5(FBN1):c.*57A>G

Gene: FBN1 (fibrillin 1; minus strand). Cytogenetic location: 15q21.1.
Variant type: single nucleotide variant.
Coding change: c.*57A>G on transcript NM_000138.5 (MANE Select); 57 bases downstream of the stop codon, A replaced by G.
Molecular consequence: 3 prime UTR variant.
Genome position (GRCh38, 1-based): chr15:48,410,933, T>C on the plus strand (A>G on the coding strand, the complement: FBN1 is on the minus strand). VCF-style: chr15-48410933-T-C. GRCh37 (hg19) VCF-style: chr15-48703130-T-C.
Identifiers: ClinVar variation 316359 (VCV000316359.6), dbSNP rs363849, ClinGen allele CA10646193.
Genomic context (GRCh38, chr15:48,410,933, plus strand): 5'-ACAAATTTACTTGGTGAAAGATTGTACCTATGATATGATGATTCTGATTGGGGGAAAATA[T>C]AGTTCTACCTATCTATATTTGTTTTTCTTTTAATTATTTGGTCTCTGGATGGTGAATTAA-3'